The following is an entry in ClinVar:

ClinVar aggregate classification (germline): Uncertain significance (1 of 4 stars; one submission).

Conditions:
DICER1-related tumor predisposition. Also called: DICER1-related pleuropulmonary blastoma cancer predisposition syndrome; DICER1 syndrome. Identifiers: Orphanet 284343, MedGen C3839822, MONDO:0100216.

Submission:

Labcorp Genetics (formerly Invitae), Labcorp
Classification: Uncertain significance for DICER1-related tumor predisposition. Last evaluated: 2023-04-12. Review status: criteria provided, single submitter. Criteria: Invitae Variant Classification Sherloc (09022015). Collection method: clinical testing. Allele origin: germline.
Comment: In summary, the available evidence is currently insufficient to determine the role of this variant in disease. Therefore, it has been classified as a Variant of Uncertain Significance. Variants that disrupt the consensus splice site are a relatively common cause of aberrant splicing (PMID: 17576681, 9536098). Algorithms developed to predict the effect of sequence changes on RNA splicing suggest that this variant may disrupt the consensus splice site. This variant has not been reported in the literature in individuals affected with DICER1-related conditions. This variant is not present in population databases (gnomAD no frequency). This sequence change falls in intron 12 of the DICER1 gene. It does not directly change the encoded amino acid sequence of the DICER1 protein. It affects a nucleotide within the consensus splice site.

Literature cited by the submitters: PubMed 17576681; PubMed 9536098.

NM_177438.3(DICER1):c.2040+5G>T

Gene: DICER1 (dicer 1, ribonuclease III; minus strand). Cytogenetic location: 14q32.13.
Variant type: single nucleotide variant.
Coding change: c.2040+5G>T on transcript NM_177438.3 (MANE Select); 5 bases into the intron after coding-DNA position 2040, G replaced by T.
Molecular consequence: intron variant.
Genome position (GRCh38, 1-based): chr14:95,113,087, C>A on the plus strand (G>T on the coding strand, the complement: DICER1 is on the minus strand). VCF-style: chr14-95113087-C-A. GRCh37 (hg19) VCF-style: chr14-95579424-C-A.
Other names: c.2040+5G>T (NM_001291628.2, NM_030621.4, NM_001395677.1 and 12 more transcripts); c.1635+5G>T (NM_001395690.1, NM_001395687.1, NM_001395689.1 and 3 more transcripts); c.1758+5G>T (NM_001395686.1); c.1473+5G>T (NM_001395691.1); c.357+5G>T (NM_001395697.1).
Identifiers: ClinVar variation 2855442 (VCV002855442.3), dbSNP rs2140087377, ClinGen allele CA2739270805.